The following is an entry in ClinVar:

ClinVar aggregate classification (germline): Uncertain significance (1 of 4 stars; one submission).

Conditions:
Pancreatic adenocarcinoma. Identifiers: MedGen C0281361, MONDO:0006047, HP:0006725.

Submission:

Labcorp Genetics (formerly Invitae), Labcorp
Classification: Uncertain significance for Pancreatic adenocarcinoma. Last evaluated: 2019-06-11. Review status: criteria provided, single submitter. Criteria: Invitae Variant Classification Sherloc (09022015). Collection method: clinical testing. Allele origin: germline.
Comment: This variant results in a copy number gain of the genomic region encompassing the full coding sequence of the PALLD gene. The boundaries of this event are unknown as they extend beyond the assayed region for this gene and therefore may encompass additional genes. As the precise location of this event is unknown, it may be in tandem or it may be located elsewhere in the genome. This variant has not been reported in the literature in individuals with PALLD-related conditions. In summary, the available evidence is currently insufficient to determine the role of this variant in disease. Therefore, it has been classified as a Variant of Uncertain Significance.

NC_000004.12:g.(?_168877882)_(168926395_?)dup

Gene: PALLD (palladin, cytoskeletal associated protein; plus strand). Cytogenetic location: 4q32.3.
Variant type: Duplication.
Identifiers: ClinVar variation 833500 (VCV000833500.1).